The following is an entry in ClinVar:

NM_032271.3(TRAF7):c.918C>G (p.Ala306=)

Gene: TRAF7 (TNF receptor associated factor 7; plus strand). Cytogenetic location: 16p13.3.
Variant type: single nucleotide variant.
Coding change: c.918C>G on transcript NM_032271.3 (MANE Select); coding-DNA position 918, C replaced by G.
Protein change: p.Ala306=; no amino-acid change (alanine 306 retained).
Molecular consequence: synonymous variant.
Genome position (GRCh38, 1-based): chr16:2,173,305, C>G. VCF-style: chr16-2173305-C-G. GRCh37 (hg19) VCF-style: chr16-2223306-C-G.
Identifiers: ClinVar variation 3057662 (VCV003057662.2), dbSNP rs138752269, ClinGen allele CA7834761.

ClinVar aggregate classification (germline): Likely benign (0 of 4 stars; one submission).

Conditions:
TRAF7-related disorder. Also called: TRAF7-related condition.

Allele frequency attached by ClinVar (database versions not stated): gnomAD exomes 0.00007; ExAC 0.00023; gnomAD 0.00060; TOPMed 0.00074; ESP Exome Variant Server 0.00085; 1000 Genomes Project 0.00120; 1000 Genomes Project 30x 0.00125.
gnomAD v4.1: 193 of 1,613,572 alleles (0.012%); highest among the groups gnomAD compares: African/African-American, 0.24%; no homozygotes.

Submission:

PreventionGenetics, part of Exact Sciences
Classification: Likely benign for TRAF7-related condition. Last evaluated: 2019-04-10. Review status: no assertion criteria provided. Collection method: clinical testing. Allele origin: germline.
Comment: This variant is classified as likely benign based on ACMG/AMP sequence variant interpretation guidelines (Richards et al. 2015 PMID: 25741868, with internal and published modifications).